The following is an entry in ClinVar:

NM_014727.3(KMT2B):c.360G>C (p.Glu120Asp)

Gene: KMT2B (lysine methyltransferase 2B; plus strand). Cytogenetic location: 19q13.12.
Variant type: single nucleotide variant.
Coding change: c.360G>C on transcript NM_014727.3 (MANE Select); coding-DNA position 360, G replaced by C.
Protein change: p.Glu120Asp; replaces glutamic acid 120 with aspartic acid.
Molecular consequence: missense variant.
Genome position (GRCh38, 1-based): chr19:35,718,378, G>C. VCF-style: chr19-35718378-G-C. GRCh37 (hg19) VCF-style: chr19-36209280-G-C.
Other names: short protein forms E120D.
Identifiers: ClinVar variation 4044428 (VCV004044428.2).

ClinVar aggregate classification (germline): Conflicting classifications of pathogenicity. Review status: criteria provided, conflicting classifications (1 of 4 stars). 2 submissions from 2 submitters: Uncertain significance (1); Likely benign (1). Last evaluated 2025-12-01.

Conditions:
Inborn genetic diseases. Identifiers: MedGen C0950123, MeSH D030342.

gnomAD v4.1: 4 of 1,270,448 alleles (0.00031%); highest among the groups gnomAD compares: Non-Finnish European, 0.0004%; no homozygotes.

Submissions (2):

Women's Health and Genetics/Laboratory Corporation of America, LabCorp
Classification: Uncertain significance. Last evaluated: 2025-12-01. Review status: criteria provided, single submitter. Criteria: LabCorp Variant Classification Summary - May 2015. Collection method: clinical testing. Allele origin: germline.
Comment: Variant summary: KMT2B c.360G>C (p.Glu120Asp) results in a conservative amino acid change in the encoded protein sequence. Algorithms developed to predict the effect of missense changes on protein structure and function all suggest that this variant is likely to be tolerated. The frequency data for this variant in gnomAD is considered unreliable, as metrics indicate poor data quality at this position. To our knowledge, no occurrence of c.360G>C in individuals affected with KMT2B-related conditions and no experimental evidence demonstrating its impact on protein function have been reported. No submitters have cited clinical-significance assessments for this variant to ClinVar. Based on the evidence outlined above, the variant was classified as uncertain significance.

Ambry Genetics
Classification: Likely benign for Inborn genetic diseases. Last evaluated: 2025-05-13. Review status: criteria provided, single submitter. Criteria: Ambry Variant Classification Scheme 2023. Collection method: clinical testing. Allele origin: germline.